The following is an entry in ClinVar:

NM_032656.4(DHX37):c.1451C>T (p.Ala484Val)

Gene: DHX37 (DEAH-box helicase 37; minus strand). Cytogenetic location: 12q24.31.
Variant type: single nucleotide variant.
Coding change: c.1451C>T on transcript NM_032656.4 (MANE Select); coding-DNA position 1451, C replaced by T.
Protein change: p.Ala484Val; replaces alanine 484 with valine.
Molecular consequence: missense variant.
Genome position (GRCh38, 1-based): chr12:124,967,176, G>A on the plus strand (C>T on the coding strand, the complement: DHX37 is on the minus strand). VCF-style: chr12-124967176-G-A. GRCh37 (hg19) VCF-style: chr12-125451722-G-A.
Other names: short protein forms A484V.
Identifiers: ClinVar variation 2039805 (VCV002039805.18), dbSNP rs150152903, ClinGen allele CA6872024.

ClinVar aggregate classification (germline): Likely benign. Review status: criteria provided, multiple submitters, no conflicts (2 of 4 stars). 3 submissions from 3 submitters: Likely benign (3). Last evaluated 2025-10-06.

Allele frequency attached by ClinVar (database versions not stated): ExAC 0.00065; 1000 Genomes Project 30x 0.00078; 1000 Genomes Project 0.00080; ESP Exome Variant Server 0.00092; TOPMed 0.00092; gnomAD 0.00100; gnomAD exomes 0.00119.
gnomAD v4.1: 1,845 of 1,613,806 alleles (0.11%); highest among the groups gnomAD compares: Non-Finnish European, 0.14%; 5 homozygotes.

Submissions (3):

Labcorp Genetics (formerly Invitae), Labcorp
Classification: Likely benign. Last evaluated: 2025-10-06. Review status: criteria provided, single submitter. Criteria: Invitae Variant Classification Sherloc (09022015). Collection method: clinical testing. Allele origin: germline.

CeGaT Center for Human Genetics Tuebingen
Classification: Likely benign. Last evaluated: 2025-02-01. Review status: criteria provided, single submitter. Criteria: CeGaT Center For Human Genetics Tuebingen Variant Classification Criteria Version 2. Collection method: clinical testing. Allele origin: germline. Affected: yes. Observed: 1 variant allele.
Comment: DHX37: BS2

Blueprint Genetics
Classification: Likely benign. Last evaluated: 2024-11-11. Review status: criteria provided, single submitter. Criteria: ACMG Guidelines, 2015. Collection method: clinical testing. Allele origin: germline.